The following is an entry in ClinVar:

ClinVar aggregate classification (germline): Benign/Likely benign. Review status: criteria provided, multiple submitters, no conflicts (2 of 4 stars). 9 submissions from 9 submitters: Benign (7); Likely benign (1). 1 of the submissions does not count toward it. Last evaluated 2026-02-01.

Conditions:
Congenital myasthenic syndrome 8. Also called: MYASTHENIC SYNDROME, CONGENITAL, DUE TO AGRIN DEFICIENCY; Myasthenic syndrome, congenital, 8, with pre- and postsynaptic defects. Identifiers: Orphanet 590, MedGen C3808739, MONDO:0014052, OMIM 615120.

Allele frequency attached by ClinVar (database versions not stated): gnomAD exomes 0.00493; ExAC 0.00522; gnomAD 0.00684 and 0.00691; TOPMed 0.00728; ESP Exome Variant Server 0.00800; 1000 Genomes Project 0.00958; 1000 Genomes Project 30x 0.00984.

Submissions (9):

Labcorp Genetics (formerly Invitae), Labcorp
Classification: Benign for Congenital myasthenic syndrome 8. Last evaluated: 2026-02-01. Review status: criteria provided, single submitter. Criteria: Invitae Variant Classification Sherloc (09022015). Collection method: clinical testing. Allele origin: germline.

CeGaT Center for Human Genetics Tuebingen
Classification: Benign. Last evaluated: 2025-08-01. Review status: criteria provided, single submitter. Criteria: CeGaT Center For Human Genetics Tuebingen Variant Classification Criteria Version 2. Collection method: clinical testing. Allele origin: germline. Affected: yes. Observed: 5 variant alleles.
Comment: AGRN: BP4, BP7, BS1, BS2

Blueprint Genetics
Classification: Likely benign. Last evaluated: 2024-11-25. Review status: criteria provided, single submitter. Criteria: ACMG Guidelines, 2015. Collection method: clinical testing. Allele origin: germline.

Mayo Clinic Laboratories, Mayo Clinic
Classification: Benign. Last evaluated: 2024-03-05. Review status: criteria provided, single submitter. Criteria: ACMG Guidelines, 2015. Collection method: clinical testing. Allele origin: germline. Observed: 7 variant alleles.
Comment: BS1, BS2, BP4, BP7

Athena Diagnostics
Classification: Benign. Last evaluated: 2021-03-22. Review status: criteria provided, single submitter. Criteria: Athena Diagnostics criteria. Collection method: clinical testing. Allele origin: unknown.

GeneDx
Classification: Benign. Last evaluated: 2018-01-09. Review status: criteria provided, single submitter. Criteria: GeneDx Variant Classification (06012015). Collection method: clinical testing. Allele origin: germline. Affected: yes.
Comment: This variant is considered likely benign or benign based on one or more of the following criteria: it is a conservative change, it occurs at a poorly conserved position in the protein, it is predicted to be benign by multiple in silico algorithms, and/or has population frequency not consistent with disease.

Breakthrough Genomics
Classification: Benign. Review status: criteria provided, single submitter. Criteria: ACMG Guidelines, 2015. Collection method: not provided. Allele origin: germline. Inheritance: Autosomal recessive inheritance. Affected: yes.

PreventionGenetics, part of Exact Sciences
Classification: Benign. Review status: criteria provided, single submitter. Criteria: ACMG Guidelines, 2015. Collection method: clinical testing. Allele origin: germline.

Genetic Services Laboratory, University of Chicago
Classification: Likely benign for AllHighlyPenetrant. Review status: no assertion criteria provided. Collection method: clinical testing. Allele origin: germline. Inheritance: Autosomal recessive inheritance. Not counted in ClinVar's aggregate classification.
Comment: Likely benign based on allele frequency in 1000 Genomes Project or ESP global frequency and its presence in a patient with a rare or unrelated disease phenotype. NOT Sanger confirmed.

NM_198576.4(AGRN):c.5598C>T (p.Thr1866=)

Gene: AGRN (agrin; plus strand). Cytogenetic location: 1p36.33.
Variant type: single nucleotide variant.
Coding change: c.5598C>T on transcript NM_198576.4 (MANE Select); coding-DNA position 5598, C replaced by T.
Protein change: p.Thr1866=; no amino-acid change (threonine 1866 retained).
Molecular consequence: synonymous variant.
Genome position (GRCh38, 1-based): chr1:1,051,762, C>T. VCF-style: chr1-1051762-C-T. GRCh37 (hg19) VCF-style: chr1-987142-C-T.
Other names: p.Thr1866=; c.5610C>T, p.Thr1870= (NM_001305275.2); c.5295C>T, p.Thr1765= (NM_001364727.2); c.5598C>T (LRG_198t1).
Identifiers: ClinVar variation 128316 (VCV000128316.43), dbSNP rs17778478, ClinGen allele CA151678.